The following is an entry in ClinVar:

ClinVar aggregate classification (germline): Uncertain significance (1 of 4 stars; one submission).

Submission:

GeneDx
Classification: Uncertain significance. Last evaluated: 2025-01-06. Review status: criteria provided, single submitter. Criteria: GeneDx Variant Classification Process June 2021. Collection method: clinical testing. Allele origin: germline. Affected: yes.
Comment: Not observed at significant frequency in large population cohorts (gnomAD); In silico analysis supports that this missense variant has a deleterious effect on protein structure/function; Has not been previously published as pathogenic or benign to our knowledge

NM_001943.5(DSG2):c.2119G>C (p.Gly707Arg)

Genes: DSG2 (desmoglein 2; plus strand), DSG2-AS1 (DSG2 antisense RNA 1; minus strand). Cytogenetic location: 18q12.1.
Variant type: single nucleotide variant.
Coding change: c.2119G>C on transcript NM_001943.5 (MANE Select); coding-DNA position 2119, G replaced by C.
Protein change: p.Gly707Arg; replaces glycine 707 with arginine.
Molecular consequence: missense variant.
Genome position (GRCh38, 1-based): chr18:31,542,637, G>C. VCF-style: chr18-31542637-G-C. GRCh37 (hg19) VCF-style: chr18-29122600-G-C.
Other names: short protein forms G707R.
Identifiers: ClinVar variation 4056042 (VCV004056042.1).